The following is an entry in ClinVar:

NM_003054.6(SLC18A2):c.1196A>C (p.Asp399Ala)

Gene: SLC18A2 (solute carrier family 18 member A2; plus strand). Cytogenetic location: 10q25.3.
Variant type: single nucleotide variant.
Coding change: c.1196A>C on transcript NM_003054.6 (MANE Select); coding-DNA position 1196, A replaced by C.
Protein change: p.Asp399Ala; replaces aspartic acid 399 with alanine.
Molecular consequence: missense variant.
Genome position (GRCh38, 1-based): chr10:117,270,080, A>C. VCF-style: chr10-117270080-A-C. GRCh37 (hg19) VCF-style: chr10-119029591-A-C.
Other names: short protein forms D399A.
Identifiers: ClinVar variation 1805448 (VCV001805448.3), dbSNP rs758715677, ClinGen allele CA5710603.

ClinVar aggregate classification (germline): Uncertain significance (1 of 4 stars; one submission).

Conditions:
Brain dopamine-serotonin vesicular transport disease (PKDYS2). Also called: PARKINSONISM-DYSTONIA, INFANTILE, 2; PARKINSONISM-DYSTONIA 2, INFANTILE-ONSET; BRAIN MONOAMINE VESICULAR TRANSPORT DISEASE. Identifiers: Orphanet 352649, MedGen C4303546, MONDO:0018130, OMIM 618049.

Allele frequency attached by ClinVar (database versions not stated): ExAC 0.00001.
gnomAD v4.1: 2 of 1,614,188 alleles (0.00012%); highest among the groups gnomAD compares: Non-Finnish European, 0.000085%; no homozygotes.

Submission:

Victorian Clinical Genetics Services, Murdoch Childrens Research Institute
Classification: Uncertain significance for Brain dopamine-serotonin vesicular transport disease. Last evaluated: 2022-03-31. Review status: criteria provided, single submitter. Criteria: ACMG Guidelines, 2015. Collection method: clinical testing. Allele origin: germline. Inheritance: Autosomal recessive inheritance. Affected: yes.
Comment: Based on the classification scheme VCGS_Germline_v1.3.4, this variant is classified as VUS-3A. Following criteria are met: 0102 - Loss of function is a known mechanism of disease in this gene and is associated with infantile Parkinsonism-dystonia 2 (MIM#618049). (I) 0106 - This gene is associated with autosomal recessive disease. (I) 0200 - Variant is predicted to result in a missense amino acid change from aspartic acid to alanine. (I) 0252 - This variant is homozygous. (I) 0304 - Variant is present in gnomAD (2) <0.01 for a recessive condition (1 heterozygote, 0 homozygotes). (SP) 0501 - Missense variant consistently predicted to be damaging by multiple in silico tools or highly conserved with a major amino acid change. (SP) 0604 - Variant is not located in an established domain, motif, hotspot or informative constraint region. (I) 0705 - No comparable missense variants have previous evidence for pathogenicity. (I) 0803 - This variant has limited previous evidence of pathogenicity in an unrelated individual. (SP) 0905 - No published segregation evidence has been identified for this variant. (I) 1007 - No published functional evidence has been identified for this variant. (I) Legend: (SP) - Supporting pathogenic, (I) - Information, (SB) - Supporting benign

Literature cited by the submitters: PubMed 35002152.